The following is an entry in ClinVar:

ClinVar aggregate classification (germline): Uncertain significance (1 of 4 stars; one submission).

Conditions:
Ulnar-mammary syndrome (UMS). Also called: Ulnar-mammary syndrome of Pallister; PALLISTER ULNAR-MAMMARY SYNDROME; SCHINZEL SYNDROME. Identifiers: Orphanet 3138, MedGen C1866994, MONDO:0008411, OMIM 181450.

Submission:

Labcorp Genetics (formerly Invitae), Labcorp
Classification: Uncertain significance for Ulnar-mammary syndrome. Last evaluated: 2022-09-17. Review status: criteria provided, single submitter. Criteria: Invitae Variant Classification Sherloc (09022015). Collection method: clinical testing. Allele origin: germline.
Comment: In summary, the available evidence is currently insufficient to determine the role of this variant in disease. Therefore, it has been classified as a Variant of Uncertain Significance. Algorithms developed to predict the effect of missense changes on protein structure and function are either unavailable or do not agree on the potential impact of this missense change (SIFT: "Tolerated"; PolyPhen-2: "Possibly Damaging"; Align-GVGD: "Class C0"). This variant has not been reported in the literature in individuals affected with TBX3-related conditions. This variant is not present in population databases (gnomAD no frequency). This sequence change replaces aspartic acid, which is acidic and polar, with asparagine, which is neutral and polar, at codon 716 of the TBX3 protein (p.Asp716Asn).

NM_005996.4(TBX3):c.2146G>A (p.Asp716Asn)

Gene: TBX3 (T-box transcription factor 3; minus strand). Cytogenetic location: 12q24.21.
Variant type: single nucleotide variant.
Coding change: c.2146G>A on transcript NM_005996.4 (MANE Select); coding-DNA position 2146, G replaced by A.
Protein change: p.Asp716Asn; replaces aspartic acid 716 with asparagine.
Molecular consequence: missense variant.
Genome position (GRCh38, 1-based): chr12:114,671,867, C>T on the plus strand (G>A on the coding strand, the complement: TBX3 is on the minus strand). VCF-style: chr12-114671867-C-T. GRCh37 (hg19) VCF-style: chr12-115109672-C-T.
Other names: c.2206G>A, p.Asp736Asn (NM_016569.4); short protein forms D716N, D736N.
Identifiers: ClinVar variation 1951120 (VCV001951120.5), dbSNP rs2121374478, ClinGen allele CA386867460.